The following is an entry in ClinVar:

ClinVar aggregate classification (germline): Pathogenic/Likely pathogenic. Review status: criteria provided, multiple submitters, no conflicts (2 of 4 stars). 6 submissions from 6 submitters: Pathogenic (5); Likely pathogenic (1). Last evaluated 2025-12-05.

Conditions:
Congenital myasthenic syndrome (CMS). Also called: Congenital Myasthenic Syndromes. Identifiers: Orphanet 590, MedGen C0751882, MeSH D020294, MONDO:0018940.
Congenital myasthenic syndrome 4A. Also called: CONGENITAL MYASTHENIC SYNDROME TYPE Ia1; MYASTHENIC SYNDROME, CONGENITAL, 4A, SLOW-CHANNEL, AUTOSOMAL RECESSIVE; Myasthenic syndrome, congenital, 4a, slow-channel. Identifiers: Orphanet 590, MedGen C4225413, MONDO:0011600, OMIM 605809.

Submissions (6):

GeneDx
Classification: Pathogenic. Last evaluated: 2025-12-05. Review status: criteria provided, single submitter. Criteria: GeneDx Variant Classification Process June 2021. Collection method: clinical testing. Allele origin: germline. Affected: yes.
Comment: Frameshift variant predicted to result in protein truncation or nonsense mediated decay in a gene for which loss of function is a known mechanism of disease; Not observed at significant frequency in large population cohorts (gnomAD); This variant is associated with the following publications: (PMID: 30792901)

Women's Health and Genetics/Laboratory Corporation of America, LabCorp
Classification: Pathogenic for Congenital myasthenic syndrome. Last evaluated: 2025-04-22. Review status: criteria provided, single submitter. Criteria: LabCorp Variant Classification Summary - May 2015. Collection method: clinical testing. Allele origin: germline.
Comment: Variant summary: CHRNE c.1116_1128del13 (p.Ser373TyrfsX8) results in a premature termination codon, predicted to cause a truncation of the encoded protein or absence of the protein due to nonsense mediated decay, which are commonly known mechanisms for disease. The variant allele was found at a frequency of 4.5e-06 in 222996 control chromosomes. c.1116_1128del13 has been reported in the literature in the homozygous state in an individual affected with Congenital Myasthenic Syndrome (Scocchia_2019). These data indicate that the variant is likely associated with disease. To our knowledge, no experimental evidence demonstrating an impact on protein function has been reported. The following publications have been ascertained in the context of this evaluation (PMID: 30792901). ClinVar contains an entry for this variant (Variation ID: 2503833). Based on the evidence outlined above, the variant was classified as pathogenic.

Myriad Genetics, Inc.
Classification: Pathogenic for Congenital myasthenic syndrome. Last evaluated: 2025-02-12. Review status: criteria provided, single submitter. Criteria: Myriad Autosomal Dominant, Autosomal Recessive and X-Linked Classification Criteria (2023). Collection method: clinical testing. Allele origin: unknown.
Comment: NM_000080.3(CHRNE):c.1116_1128del13(S373Yfs*8) is a frameshift variant classified as pathogenic in the context of congenital myasthenic syndrome, CHRNE-related. S373Yfs*8 has been observed in a case with relevant disease (PMID: 30792901). Relevant functional assessments of this variant are not available in the literature. S373Yfs*8 has been observed in referenced population frequency databases. In summary, NM_000080.3(CHRNE):c.1116_1128del13(S373Yfs*8) is a frameshift variant that has been observed more frequently in cases with the relevant disease than in healthy populations. Please note: this variant was assessed in the context of healthy population screening.

Labcorp Genetics (formerly Invitae), Labcorp
Classification: Pathogenic for Congenital myasthenic syndrome 4A. Last evaluated: 2024-12-19. Review status: criteria provided, single submitter. Criteria: Invitae Variant Classification Sherloc (09022015). Collection method: clinical testing. Allele origin: germline.
Comment: This sequence change creates a premature translational stop signal (p.Ser373Tyrfs*8) in the CHRNE gene. It is expected to result in an absent or disrupted protein product. Loss-of-function variants in CHRNE are known to be pathogenic (PMID: 22678886). This variant is present in population databases (no rsID available, gnomAD 0.003%). This premature translational stop signal has been observed in individual(s) with congenital myasthenic syndrome (PMID: 30792901). ClinVar contains an entry for this variant (Variation ID: 2503833). For these reasons, this variant has been classified as Pathogenic.

Natera, Inc.
Classification: Likely pathogenic for Congenital myasthenic syndrome. Last evaluated: 2024-11-25. Review status: criteria provided, single submitter. Criteria: Natera Variant Classification Schema (03/2026). Collection method: clinical testing. Allele origin: germline.
Comment: The c.1116_1128delGTCGTCGGTGGGC variant in CHRNE is a frameshift variant predicted to shift the reading frame beginning at codon 373 and leads to a stop codon 8 codons downstream. This variant is expected to result in nonsense mediated decay, truncation, or a dysfunctional protein product. This variant is rare in the general population with a frequency below the threshold expected for the associated phenotype(s). Given the available evidence, this variant is classified as Likely Pathogenic.

Baylor Genetics
Classification: Pathogenic for Congenital myasthenic syndrome 4A. Last evaluated: 2021-11-21. Review status: criteria provided, single submitter. Criteria: ACMG Guidelines, 2015. Collection method: clinical testing. Allele origin: unknown.

Literature cited by the submitters: PubMed 30792901 (cited by 3 submitters); PubMed 22678886 (cited by Labcorp Genetics (formerly Invitae), Labcorp).

NM_000080.4(CHRNE):c.1116_1128del (p.Ser373fs)

Gene: CHRNE (cholinergic receptor nicotinic epsilon subunit; minus strand). Cytogenetic location: 17p13.2.
Variant type: Deletion.
Coding change: c.1116_1128del on transcript NM_000080.4 (MANE Select); coding-DNA positions 1116 to 1128, 13 bases deleted (GTCGTCGGTGGGC).
Protein change: p.Ser373fs; shifts the reading frame from serine 373.
Molecular consequence: frameshift variant.
Genome position (GRCh38, 1-based): chr17:4,899,289-4,899,301, GCCCACCGACGAC deleted on the plus strand (GTCGTCGGTGGGC on the coding strand, the reverse complement: CHRNE is on the minus strand); deleting any 13 consecutive bases within chr17:4,899,289-4,899,305 gives the same sequence; the c. name uses the placement nearest the transcript's 3' end. VCF-style (leftmost placement, unchanged base first): chr17-4899288-AGCCCACCGACGAC-A. GRCh37 (hg19) VCF-style: chr17-4802583-AGCCCACCGACGAC-A.
Other names: c.1116_1128delGTCGTCGGTGGGC (NM_000080.3); c.1116_1128del13 (NM_000080.4); short protein forms S373fs.
Identifiers: ClinVar variation 2503833 (VCV002503833.10), dbSNP rs1398583523, ClinGen allele CA624855859.